The following is an entry in ClinVar:

NM_032043.3(BRIP1):c.2257G>C (p.Asp753His)

Gene: BRIP1 (BRCA1 interacting DNA helicase 1; minus strand). Cytogenetic location: 17q23.2.
Variant type: single nucleotide variant.
Coding change: c.2257G>C on transcript NM_032043.3 (MANE Select); coding-DNA position 2257, G replaced by C.
Protein change: p.Asp753His; replaces aspartic acid 753 with histidine.
Molecular consequence: missense variant.
Genome position (GRCh38, 1-based): chr17:61,744,432, C>G on the plus strand (G>C on the coding strand, the complement: BRIP1 is on the minus strand). VCF-style: chr17-61744432-C-G. GRCh37 (hg19) VCF-style: chr17-59821793-C-G.
Other names: short protein forms D753H.
Identifiers: ClinVar variation 647543 (VCV000647543.9), dbSNP rs1603304458, ClinGen allele CA400482804.
Genomic context (GRCh38, chr17:61,744,432, plus strand): 5'-ACCTTCTTACTTTGTAATAAAAAATATTTTTTCACCGACCATGAAATAATTTCCAGTTAC[C>G]TTTCTCTCCTTTGTATTTGATTGCGTCATAGTACACCTGCAGTAATTCATCAAAATTTGT-3'
Protein context (NP_114432.2, residues 743-763): YDAIKYKGEK[Asp753His]GALLVAVCRG

ClinVar aggregate classification (germline): Uncertain significance (1 of 4 stars; one submission).

Conditions:
Familial cancer of breast. Also called: hereditary breast carcinoma; BREAST CANCER, FAMILIAL; Hereditary breast cancer. Identifiers: Orphanet 227535, MedGen C0346153, MONDO:0016419, OMIM 114480. Disease mechanism: loss of function.
Fanconi anemia complementation group J. Also called: BRIP1-Related Fanconi Anemia. Identifiers: Orphanet 84, MedGen C1836860, MONDO:0012187, OMIM 609054.

Submission:

Labcorp Genetics (formerly Invitae), Labcorp
Classification: Uncertain significance for Familial cancer of breast; Fanconi anemia complementation group J. Last evaluated: 2018-08-01. Review status: criteria provided, single submitter. Criteria: Invitae Variant Classification Sherloc (09022015). Collection method: clinical testing. Allele origin: germline.
Comment: This sequence change replaces aspartic acid with histidine at codon 753 of the BRIP1 protein (p.Asp753His). The aspartic acid residue is highly conserved and there is a moderate physicochemical difference between aspartic acid and histidine. This variant also falls at the last nucleotide of exon 15 of the BRIP1 coding sequence, which is part of the consensus splice site for this exon. This variant is not present in population databases (ExAC no frequency). This variant has not been reported in the literature in individuals with BRIP1-related disease. Algorithms developed to predict the effect of missense changes on protein structure and function are either unavailable or do not agree on the potential impact of this missense change (SIFT: "Deleterious"; PolyPhen-2: "Probably Damaging"; Align-GVGD: "Class C0"). Nucleotide substitutions within the consensus splice site are a relatively common cause of aberrant splicing (PMID: 17576681, 9536098). Algorithms developed to predict the effect of sequence changes on RNA splicing suggest that this variant may disrupt the consensus splice site, but this prediction has not been confirmed by published transcriptional studies. In summary, the available evidence is currently insufficient to determine the role of this variant in disease. Therefore, it has been classified as a Variant of Uncertain Significance.

Literature cited by the submitters: PubMed 17576681; PubMed 9536098.